The following is an entry in ClinVar:

ClinVar aggregate classification (germline): Likely pathogenic (1 of 4 stars; one submission).

Conditions:
Galactosylceramide beta-galactosidase deficiency. Also called: Leukodystrophy, Globoid Cell; Krabbe Disease; GALACTOCEREBROSIDASE DEFICIENCY; GALC DEFICIENCY; GLOBOID CELL LEUKOENCEPHALOPATHY. Identifiers: Orphanet 487, MedGen C0023521, MONDO:0009499, OMIM 245200.

gnomAD v4.1: 6 of 1,613,696 alleles (0.00037%); highest among the groups gnomAD compares: African/African-American, 0.0067%; no homozygotes.

Submission:

Natera, Inc.
Classification: Likely pathogenic for Galactosylceramide beta-galactosidase deficiency. Last evaluated: 2024-12-12. Review status: criteria provided, single submitter. Criteria: Natera Variant Classification Schema (03/2026). Collection method: clinical testing. Allele origin: germline.
Comment: The c.295A>G variant in GALC is a missense variant predicted to cause substitution of lysine to glutamic acid at amino acid 99. This variant is rare in the general population with a frequency below the threshold expected for the associated phenotype(s). This variant has been observed in one or more individuals affected with the associated recessive disease, as either homozygous or compound heterozygous with a second variant (PMID: 27171547). Functional studies show that this variant may disrupt protein function (PMID: 27638593). Computational prediction algorithms indicate this variant is likely to affect gene or protein function. Given the available evidence, this variant is classified as Likely Pathogenic.

Literature cited by the submitters: PubMed 27171547; PubMed 27638593.

NM_000153.4(GALC):c.295A>G (p.Lys99Glu)

Gene: GALC (galactosylceramidase; minus strand). Cytogenetic location: 14q31.3.
Variant type: single nucleotide variant.
Coding change: c.295A>G on transcript NM_000153.4 (MANE Select); coding-DNA position 295, A replaced by G.
Protein change: p.Lys99Glu; replaces lysine 99 with glutamic acid.
Molecular consequence: missense variant. On other transcripts: 5 prime UTR variant (4), non-coding transcript variant (1).
Genome position (GRCh38, 1-based): chr14:87,988,177, T>C on the plus strand (A>G on the coding strand, the complement: GALC is on the minus strand). VCF-style: chr14-87988177-T-C. GRCh37 (hg19) VCF-style: chr14-88454521-T-C.
Other names: c.226A>G, p.Lys76Glu (NM_001201401.2); c.217A>G, p.Lys73Glu (NM_001201402.2); c.127A>G, p.Lys43Glu (NM_001424071.1, NM_001424072.1, NM_001424073.1); c.-54A>G (NM_001424074.1); c.-142A>G (NM_001424075.1); c.-373A>G (NM_001424076.1, NM_001424077.1); short protein forms K43E, K73E, K76E, K99E.
Identifiers: ClinVar variation 4817603 (VCV004817603.1).
Genomic context (GRCh38, chr14:87,988,177, plus strand): 5'-GAAATCCTATCTCCCAAATTCTCCTACCTGTTGTCTGCCCATCACCACCTATTTCCACTT[T>C]TAAAATATGCAAAGAGGCACCAAAATTCGGCTGTGAAAAGAAGTAACAGTATTAACATAG-3'
Protein context (NP_000144.2, residues 89-109): PNFGASLHIL[Lys99Glu]VEIGGDGQTT